The following is an entry in ClinVar:

NM_000466.3(PEX1):c.1021C>G (p.Pro341Ala)

Gene: PEX1 (peroxisomal biogenesis factor 1; minus strand). Cytogenetic location: 7q21.2.
Variant type: single nucleotide variant.
Coding change: c.1021C>G on transcript NM_000466.3 (MANE Select); coding-DNA position 1021, C replaced by G.
Protein change: p.Pro341Ala; replaces proline 341 with alanine.
Molecular consequence: missense variant.
Genome position (GRCh38, 1-based): chr7:92,517,494, G>C on the plus strand (C>G on the coding strand, the complement: PEX1 is on the minus strand). VCF-style: chr7-92517494-G-C. GRCh37 (hg19) VCF-style: chr7-92146808-G-C.
Other names: c.1021C>G, p.Pro341Ala (NM_001282677.2); c.397C>G, p.Pro133Ala (NM_001282678.2); short protein forms P133A, P341A.
Identifiers: ClinVar variation 1395767 (VCV001395767.5), dbSNP rs137856931, ClinGen allele CA161973483.
Genomic context (GRCh38, chr7:92,517,494, plus strand): 5'-TCTGCTTCTCTTTTTCAGGTGATAACACATTTTGTTTTGTTTTACTTTGCTGTTGCTTTG[G>C]AGAAAGTAGCTTAACTAGCTTTCCATATGTCACAGTAAAGCTGGGCTCTACATCAAAATA-3'
Protein context (NP_000457.1, residues 331-351): TYGKLVKLLS[Pro341Ala]KQQQSKTKQN

ClinVar aggregate classification (germline): Uncertain significance (1 of 4 stars; one submission).

Conditions:
Zellweger spectrum disorders (ZS). Also called: Zellweger Spectrum Disorder (ZSD); Zellweger syndrome; Zellweger Spectrum Disorder; Zellweger Spectrum. Identifiers: Orphanet 912, MedGen C0043459, MONDO:0019609.

Allele frequency attached by ClinVar (database versions not stated): gnomAD exomes below 0.00001 and 0.00005; gnomAD 0.00001 and 0.00002; TOPMed 0.00001; ESP Exome Variant Server 0.00008.
gnomAD v4.1: 78 of 1,613,852 alleles (0.0048%); highest among the groups gnomAD compares: Middle Eastern, 0.017%; no homozygotes.

Submission:

Labcorp Genetics (formerly Invitae), Labcorp
Classification: Uncertain significance for Zellweger spectrum disorders. Last evaluated: 2022-03-28. Review status: criteria provided, single submitter. Criteria: Invitae Variant Classification Sherloc (09022015). Collection method: clinical testing. Allele origin: germline.
Comment: This sequence change replaces proline, which is neutral and non-polar, with alanine, which is neutral and non-polar, at codon 341 of the PEX1 protein (p.Pro341Ala). This variant is present in population databases (rs137856931, gnomAD 0.0009%). This variant has not been reported in the literature in individuals affected with PEX1-related conditions. Advanced modeling of protein sequence and biophysical properties (such as structural, functional, and spatial information, amino acid conservation, physicochemical variation, residue mobility, and thermodynamic stability) performed at Invitae indicates that this missense variant is expected to disrupt PEX1 protein function. In summary, the available evidence is currently insufficient to determine the role of this variant in disease. Therefore, it has been classified as a Variant of Uncertain Significance.